The following is an entry in ClinVar:

NM_002189.4(IL15RA):c.513C>G (p.Ser171=)

Gene: IL15RA (interleukin 15 receptor subunit alpha; minus strand). Cytogenetic location: 10p15.1.
Variant type: single nucleotide variant.
Coding change: c.513C>G on transcript NM_002189.4 (MANE Select); coding-DNA position 513, C replaced by G.
Protein change: p.Ser171=; no amino-acid change (serine 171 retained).
Molecular consequence: synonymous variant. On other transcripts: non-coding transcript variant (1).
Genome position (GRCh38, 1-based): chr10:5,960,437, G>C on the plus strand (C>G on the coding strand, the complement: IL15RA is on the minus strand). VCF-style: chr10-5960437-G-C. GRCh37 (hg19) VCF-style: chr10-6002400-G-C.
Other names: c.771C>G, p.Ser257= (NM_001256765.1); c.405C>G, p.Ser135= (NM_001243539.2, NM_001351096.1); c.588C>G, p.Ser196= (NM_001351095.2); c.306C>G, p.Ser102= (NM_001351097.2); c.414C>G, p.Ser138= (NM_172200.3).
Identifiers: ClinVar variation 781672 (VCV000781672.27), dbSNP rs150004304, ClinGen allele CA5397060.

ClinVar aggregate classification (germline): Benign/Likely benign. Review status: criteria provided, multiple submitters, no conflicts (2 of 4 stars). 2 submissions from 2 submitters: Benign (1); Likely benign (1). Last evaluated 2023-03-01.

Allele frequency attached by ClinVar (database versions not stated): 1000 Genomes Project 30x 0.00125; TOPMed 0.00140; 1000 Genomes Project 0.00160; gnomAD exomes 0.00186 and 0.00233; ESP Exome Variant Server 0.00200; ExAC 0.00228; gnomAD 0.00243 and 0.00250.

Submissions (2):

CeGaT Center for Human Genetics Tuebingen
Classification: Likely benign. Last evaluated: 2023-03-01. Review status: criteria provided, single submitter. Criteria: CeGaT Center For Human Genetics Tuebingen Variant Classification Criteria Version 2. Collection method: clinical testing. Allele origin: germline. Affected: yes. Observed: 2 variant alleles.
Comment: IL15RA: BP4, BP7, BS2

Labcorp Genetics (formerly Invitae), Labcorp
Classification: Benign. Last evaluated: 2018-07-26. Review status: criteria provided, single submitter. Criteria: Invitae Variant Classification Sherloc (09022015). Collection method: clinical testing. Allele origin: germline.